The following is an entry in ClinVar:

ClinVar aggregate classification (germline): Uncertain significance (1 of 4 stars; one submission).

Submission:

Labcorp Genetics (formerly Invitae), Labcorp
Classification: Uncertain significance. Last evaluated: 2023-01-27. Review status: criteria provided, single submitter. Criteria: Invitae Variant Classification Sherloc (09022015). Collection method: clinical testing. Allele origin: germline.
Comment: In summary, the available evidence is currently insufficient to determine the role of this variant in disease. Therefore, it has been classified as a Variant of Uncertain Significance. Advanced modeling of protein sequence and biophysical properties (such as structural, functional, and spatial information, amino acid conservation, physicochemical variation, residue mobility, and thermodynamic stability) performed at Invitae indicates that this missense variant is not expected to disrupt KIF11 protein function. This variant has not been reported in the literature in individuals affected with KIF11-related conditions. This variant is not present in population databases (gnomAD no frequency). This sequence change replaces isoleucine, which is neutral and non-polar, with valine, which is neutral and non-polar, at codon 754 of the KIF11 protein (p.Ile754Val).

NM_004523.4(KIF11):c.2260A>G (p.Ile754Val)

Gene: KIF11 (kinesin family member 11; plus strand). Cytogenetic location: 10q23.33.
Variant type: single nucleotide variant.
Coding change: c.2260A>G on transcript NM_004523.4 (MANE Select); coding-DNA position 2260, A replaced by G.
Protein change: p.Ile754Val; replaces isoleucine 754 with valine.
Molecular consequence: missense variant.
Genome position (GRCh38, 1-based): chr10:92,639,893, A>G. VCF-style: chr10-92639893-A-G. GRCh37 (hg19) VCF-style: chr10-94399650-A-G.
Other names: short protein forms I754V.
Identifiers: ClinVar variation 2119996 (VCV002119996.4), dbSNP rs2492528893, ClinGen allele CA377593802.